The following is an entry in ClinVar:

ClinVar aggregate classification (germline): Uncertain significance (1 of 4 stars; one submission).

Conditions:
Lethal multiple pterygium syndrome (LMPS). Identifiers: Orphanet 33108, MedGen C1854678, MONDO:0009668, OMIM 253290.

Allele frequency attached by ClinVar (database versions not stated): gnomAD 0.00002 and 0.00004; TOPMed 0.00002; gnomAD exomes 0.00011 and 0.00021; ExAC 0.00018; 1000 Genomes Project 0.00020; 1000 Genomes Project 30x 0.00031.
gnomAD v4.1: 160 of 1,614,178 alleles (0.0099%); highest among the groups gnomAD compares: South Asian, 0.12%; 1 homozygote.

Submission:

Labcorp Genetics (formerly Invitae), Labcorp
Classification: Uncertain significance for Lethal multiple pterygium syndrome. Last evaluated: 2025-12-19. Review status: criteria provided, single submitter. Criteria: Invitae Variant Classification Sherloc (09022015). Collection method: clinical testing. Allele origin: germline.
Comment: This sequence change replaces arginine, which is basic and polar, with cysteine, which is neutral and slightly polar, at codon 471 of the CHRND protein (p.Arg471Cys). This variant is present in population databases (rs533115724, gnomAD 0.1%). This variant has not been reported in the literature in individuals affected with CHRND-related conditions. ClinVar contains an entry for this variant (Variation ID: 966019). Invitae Evidence Modeling of protein sequence and biophysical properties (such as structural, functional, and spatial information, amino acid conservation, physicochemical variation, residue mobility, and thermodynamic stability) has been performed for this missense variant. However, the output from this modeling did not meet the statistical confidence thresholds required to predict the impact of this variant on CHRND protein function. In summary, the available evidence is currently insufficient to determine the role of this variant in disease. Therefore, it has been classified as a Variant of Uncertain Significance.

NM_000751.3(CHRND):c.1411C>T (p.Arg471Cys)

Gene: CHRND (cholinergic receptor nicotinic delta subunit; plus strand). Cytogenetic location: 2q37.1.
Variant type: single nucleotide variant.
Coding change: c.1411C>T on transcript NM_000751.3 (MANE Select); coding-DNA position 1411, C replaced by T.
Protein change: p.Arg471Cys; replaces arginine 471 with cysteine.
Molecular consequence: missense variant.
Genome position (GRCh38, 1-based): chr2:232,535,169, C>T. VCF-style: chr2-232535169-C-T. GRCh37 (hg19) VCF-style: chr2-233399879-C-T.
Other names: c.1366C>T, p.Arg456Cys (NM_001256657.2); c.829C>T, p.Arg277Cys (NM_001311195.2); c.1108C>T, p.Arg370Cys (NM_001311196.2); short protein forms R456C, R471C, R277C, R370C.
Identifiers: ClinVar variation 966019 (VCV000966019.9), dbSNP rs533115724, ClinGen allele CA2168354.